The following is an entry in ClinVar:

ClinVar aggregate classification (germline): Benign/Likely benign. Review status: criteria provided, multiple submitters, no conflicts (2 of 4 stars). 3 submissions from 3 submitters: Benign (1); Likely benign (2). Last evaluated 2024-08-28.

Conditions:
Familial adenomatous polyposis 1 (FAP1). Also called: FAMILIAL ADENOMATOUS POLYPOSIS 1, ATTENUATED; POLYPOSIS, ADENOMATOUS INTESTINAL. Identifiers: MedGen C2713442, MONDO:0021056, OMIM 175100. Disease mechanism: loss of function.
Hereditary cancer-predisposing syndrome. Also called: Tumor predisposition; Neoplastic Syndromes, Hereditary; Hereditary neoplastic syndrome; Hereditary Cancer Syndrome. Identifiers: Orphanet 140162, MedGen C0027672, MeSH D009386, MONDO:0015356.

Allele frequency attached by ClinVar (database versions not stated): gnomAD exomes below 0.00001; TOPMed below 0.00001; gnomAD 0.00001.

Submissions (3):

Labcorp Genetics (formerly Invitae), Labcorp
Classification: Likely benign for Familial adenomatous polyposis 1. Last evaluated: 2024-08-28. Review status: criteria provided, single submitter. Criteria: Invitae Variant Classification Sherloc (09022015). Collection method: clinical testing. Allele origin: germline.

Myriad Genetics, Inc.
Classification: Benign for Familial adenomatous polyposis 1. Last evaluated: 2024-02-29. Review status: criteria provided, single submitter. Criteria: Myriad Autosomal Dominant, Autosomal Recessive and X-Linked Classification Criteria (2023). Collection method: clinical testing. Allele origin: unknown.
Comment: This variant is considered benign. This variant is a silent/synonymous amino acid change and it is not expected to impact splicing.

Ambry Genetics
Classification: Likely benign for Hereditary cancer-predisposing syndrome. Last evaluated: 2022-05-01. Review status: criteria provided, single submitter. Criteria: Ambry Variant Classification Scheme 2023. Collection method: clinical testing. Allele origin: germline.

NM_000038.6(APC):c.924G>T (p.Leu308=)

Gene: APC (APC regulator of Wnt signaling pathway; plus strand). Cytogenetic location: 5q22.2.
Variant type: single nucleotide variant.
Coding change: c.924G>T on transcript NM_000038.6 (MANE Select); coding-DNA position 924, G replaced by T.
Protein change: p.Leu308=; no amino-acid change (leucine 308 retained).
Molecular consequence: synonymous variant.
Genome position (GRCh38, 1-based): chr5:112,815,584, G>T. VCF-style: chr5-112815584-G-T. GRCh37 (hg19) VCF-style: chr5-112151281-G-T.
Other names: c.924G>T, p.Leu308= (NM_001127510.3, NM_001354895.2, NM_001354896.2 and 1 more transcripts); c.870G>T, p.Leu290= (NM_001127511.3); c.954G>T, p.Leu318= (NM_001354897.2, NM_001354902.2); c.849G>T, p.Leu283= (NM_001354898.2, NM_001354904.2); c.840G>T, p.Leu280= (NM_001354899.2); c.747G>T, p.Leu249= (NM_001354900.2, NM_001354901.2, NM_001354905.2); c.75G>T, p.Leu25= (NM_001354906.2).
Identifiers: ClinVar variation 416736 (VCV000416736.12), dbSNP rs1060504873, ClinGen allele CA16611569.
Genomic context (GRCh38, chr5:112,815,584, plus strand): 5'-AGCCAGTGTTTTGAGTTCTAGTAGCACACACTCTGCACCTCGAAGGCTGACAAGTCATCT[G>T]GGAACCAAGGTAACAGAAGATTACAAACCCTGGTCACTAATGCCATGACTACTTTGCTAA-3'
Protein context (NP_000029.2, residues 298-318): HSAPRRLTSH[Leu308=]GTKVEMVYSL